The following is an entry in ClinVar:

NM_001376.5(DYNC1H1):c.2827C>T (p.Pro943Ser)

Gene: DYNC1H1 (dynein cytoplasmic 1 heavy chain 1; plus strand). Cytogenetic location: 14q32.31.
Variant type: single nucleotide variant.
Coding change: c.2827C>T on transcript NM_001376.5 (MANE Select); coding-DNA position 2827, C replaced by T.
Protein change: p.Pro943Ser; replaces proline 943 with serine.
Molecular consequence: missense variant.
Genome position (GRCh38, 1-based): chr14:101,988,811, C>T. VCF-style: chr14-101988811-C-T. GRCh37 (hg19) VCF-style: chr14-102455148-C-T.
Other names: short protein forms P943S.
Identifiers: ClinVar variation 1303765 (VCV001303765.2), dbSNP rs2141276693, ClinGen allele CA391028884.

ClinVar aggregate classification (germline): Uncertain significance (1 of 4 stars; one submission).

Submission:

GeneDx
Classification: Uncertain significance. Last evaluated: 2019-04-26. Review status: criteria provided, single submitter. Criteria: GeneDx Variant Classification Process June 2021. Collection method: clinical testing. Allele origin: germline. Affected: yes.
Comment: Not observed in large population cohorts (Lek et al., 2016); In silico analysis, which includes protein predictors and evolutionary conservation, supports that this variant does not alter protein structure/function; Has not been previously published as pathogenic or benign to our knowledge